The following is an entry in ClinVar:

NM_015656.2(KIF26A):c.4596C>A (p.Ala1532=)

Gene: KIF26A (kinesin family member 26A; plus strand). Cytogenetic location: 14q32.33.
Variant type: single nucleotide variant.
Coding change: c.4596C>A on transcript NM_015656.2 (MANE Select); coding-DNA position 4596, C replaced by A.
Protein change: p.Ala1532=; no amino-acid change (alanine 1532 retained).
Molecular consequence: synonymous variant.
Genome position (GRCh38, 1-based): chr14:104,177,384, C>A. VCF-style: chr14-104177384-C-A. GRCh37 (hg19) VCF-style: chr14-104643721-C-A.
Identifiers: ClinVar variation 1301202 (VCV001301202.4), dbSNP rs2487301, ClinGen allele CA7371330.

ClinVar aggregate classification (germline): Benign. Review status: criteria provided, multiple submitters, no conflicts (2 of 4 stars). 3 submissions from 3 submitters: Benign (3). Last evaluated 2024-10-21.

Conditions:
KIF26A-related condition.

Allele frequency attached by ClinVar (database versions not stated): ESP Exome Variant Server 0.41320; TOPMed 0.45214; 1000 Genomes Project 0.45887; 1000 Genomes Project 30x 0.46955.
gnomAD v4.1: 515,999 of 1,481,530 alleles (35%); highest among the groups gnomAD compares: African/African-American, 70%; 96,015 homozygotes.

Submissions (3):

PreventionGenetics, part of Exact Sciences
Classification: Benign for KIF26A-related condition. Last evaluated: 2024-10-21. Review status: criteria provided, single submitter. Criteria: ACMG Guidelines, 2015. Collection method: clinical testing. Allele origin: germline.
Comment: This variant is classified as benign based on ACMG/AMP sequence variant interpretation guidelines (Richards et al. 2015 PMID: 25741868, with internal and published modifications).

GeneDx
Classification: Benign. Last evaluated: 2021-09-25. Review status: criteria provided, single submitter. Criteria: GeneDx Variant Classification Process June 2021. Collection method: clinical testing. Allele origin: germline. Affected: yes.

Breakthrough Genomics
Classification: Benign. Review status: criteria provided, single submitter. Criteria: ACMG Guidelines, 2015. Collection method: not provided. Allele origin: germline. Inheritance: Autosomal recessive inheritance. Affected: yes.